The following is an entry in ClinVar:

ClinVar aggregate classification (germline): Uncertain significance (1 of 4 stars; one submission).

Conditions:
Hereditary cancer-predisposing syndrome. Also called: Neoplastic Syndromes, Hereditary; Hereditary Cancer Syndrome; Tumor predisposition; Hereditary neoplastic syndrome. Identifiers: Orphanet 140162, MedGen C0027672, MeSH D009386, MONDO:0015356.

Submission:

Ambry Genetics
Classification: Uncertain significance for Hereditary cancer-predisposing syndrome. Last evaluated: 2025-02-19. Review status: criteria provided, single submitter. Criteria: Ambry Variant Classification Scheme 2023. Collection method: clinical testing. Allele origin: germline.
Comment: The p.Y185N variant (also known as c.553T>A), located in coding exon 5 of the RAD50 gene, results from a T to A substitution at nucleotide position 553. The tyrosine at codon 185 is replaced by asparagine, an amino acid with dissimilar properties. This amino acid position is conserved. In addition, this alteration is predicted to be deleterious by in silico analysis. Based on the available evidence, the clinical significance of this variant remains unclear.

NM_005732.4(RAD50):c.553T>A (p.Tyr185Asn)

Gene: RAD50 (RAD50 double strand break repair protein; plus strand). Cytogenetic location: 5q31.1.
Variant type: single nucleotide variant.
Coding change: c.553T>A on transcript NM_005732.4 (MANE Select); coding-DNA position 553, T replaced by A.
Protein change: p.Tyr185Asn; replaces tyrosine 185 with asparagine.
Molecular consequence: missense variant.
Genome position (GRCh38, 1-based): chr5:132,579,863, T>A. VCF-style: chr5-132579863-T-A. GRCh37 (hg19) VCF-style: chr5-131915555-T-A.
Other names: short protein forms Y185N.
Identifiers: ClinVar variation 3786316 (VCV003786316.1).